The following is an entry in ClinVar:

NM_000193.4(SHH):c.593G>A (p.Cys198Tyr)

Gene: SHH (sonic hedgehog signaling molecule; minus strand). Cytogenetic location: 7q36.3.
Variant type: single nucleotide variant.
Coding change: c.593G>A on transcript NM_000193.4 (MANE Select); coding-DNA position 593, G replaced by A.
Protein change: p.Cys198Tyr; replaces cysteine 198 with tyrosine.
Molecular consequence: missense variant. On other transcripts: intron variant (1).
Genome position (GRCh38, 1-based): chr7:155,803,696, C>T on the plus strand (G>A on the coding strand, the complement: SHH is on the minus strand). VCF-style: chr7-155803696-C-T. GRCh37 (hg19) VCF-style: chr7-155596390-C-T.
Other names: c.301+2600G>A (NM_001310462.2); short protein forms C198Y.
Identifiers: ClinVar variation 931342 (VCV000931342.3), dbSNP rs1803267843, ClinGen allele CA370146723.
Genomic context (GRCh38, chr7:155,803,696, plus strand): 5'-AGGTCCTTCACCAGCTTGGTGCCGCCCTGCTCCAGGTGCACCGTGGCCGAGCCCGGGAAG[C>T]AGCCTCCCGATTTGGCCGCCACCGAGTTCTCTGCGGGTGAGGAGAAGGGAAAGAAGAGAG-3'
Protein context (NP_000184.1, residues 188-208): ENSVAAKSGG[Cys198Tyr]FPGSATVHLE

ClinVar aggregate classification (germline): Pathogenic (1 of 4 stars; one submission).

Conditions:
Schizencephaly. Identifiers: Orphanet 799, MedGen C0266484, MONDO:0010011, OMIM 269160, HP:0010636.

Submission:

Centre for Mendelian Genomics, University Medical Centre Ljubljana
Classification: Pathogenic for Schizencephaly. Last evaluated: 2018-10-01. Review status: criteria provided, single submitter. Criteria: ACMG Guidelines, 2015. Collection method: clinical testing. Allele origin: unknown. Affected: yes.
Comment: This variant was classified as: Pathogenic. The following ACMG criteria were applied in classifying this variant: PS1,PM1,PM2,PM5,PP2,PP3.